The following is an entry in ClinVar:

ClinVar aggregate classification (germline): Likely pathogenic (1 of 4 stars; one submission).

Submission:

Genetic Services Laboratory, University of Chicago
Classification: Likely pathogenic. Last evaluated: 2019-07-18. Review status: criteria provided, single submitter. Criteria: ACMG Guidelines, 2015. Collection method: clinical testing. Allele origin: germline. Affected: yes.
Comment: DNA sequence analysis of the WT1 gene demonstrated a sequence change which results in an intronic deletion of 20 base pairs including the canonical splice acceptor site of intron 9, c.1433-20_1433-1del. This sequence change has not been reported in population databases (gnomAD and ExAC). Donor splice site mutations of intron 9 have been previously described in patients with Frasier syndrome with FSGS or diffuse mesangial sclerosis (DMS) phenotype (PMID: 11354777). This sequence change is predicted to affect normal splicing of the WT1 gene and result in an abnormal protein; however functional studies have not been performed to prove this conclusively. These collective evidences indicate that this is a likely pathogenic sequence change.

NM_024426.6(WT1):c.1448-20_1448-1del

Gene: WT1 (WT1 transcription factor; minus strand). Cytogenetic location: 11p13.
Variant type: Deletion.
Coding change: c.1448-20_1448-1del on transcript NM_024426.6 (MANE Select); 20 bases into the intron before coding-DNA position 1448 through the canonical splice acceptor site of the intron before coding-DNA position 1448, 20 bases deleted (ACTGGCAATTGTGTCAACAG).
Molecular consequence: splice acceptor variant.
Genome position (GRCh38, 1-based): chr11:32,389,180-32,389,199, CTGTTGACACAATTGCCAGT deleted on the plus strand (ACTGGCAATTGTGTCAACAG on the coding strand, the reverse complement: WT1 is on the minus strand); deleting any 20 consecutive bases within chr11:32,389,180-32,389,200 gives the same sequence; the c. name uses the placement nearest the transcript's 3' end. VCF-style (leftmost placement, unchanged base first): chr11-32389179-CCTGTTGACACAATTGCCAGT-C. GRCh37 (hg19) VCF-style: chr11-32410725-CCTGTTGACACAATTGCCAGT-C.
Other names: c.1274-20_1274-1del (NM_001407050.1); c.1316-20_1316-1del (NM_001407047.1); c.1307-20_1307-1del (NM_001407048.1); c.1304-20_1304-1del (NM_001407049.1); c.1388-20_1388-1del (NM_000378.6); c.1397-20_1397-1del (NM_001407045.1); c.1433-20_1433-1del (NM_001407044.1); c.1355-20_1355-1del (NM_001407046.1); and 5 more.
Identifiers: ClinVar variation 1338532 (VCV001338532.4), dbSNP rs2132900093, ClinGen allele CA2573053495.
Genomic context (GRCh38, chr11:32,389,179, plus strand): 5'-TCATCTGACCGGGCAAACTTTTTCTGACAACTTGGCCACCGACAGCTGAAGGGCTTTTCA[CCTGTTGACACAATTGCCAGT>C]CAGAGACACTTGCAACAAAGAGACAGGCACAAGTTCAACTATCAAGGCCCGAGTGAAGTC-3'